The following is an entry in ClinVar:

ClinVar aggregate classification (germline): Uncertain significance. Review status: criteria provided, multiple submitters, no conflicts (2 of 4 stars). 2 submissions from 2 submitters: Uncertain significance (2). Last evaluated 2025-04-09.

Conditions:
Inborn genetic diseases. Identifiers: MedGen C0950123, MeSH D030342.

Allele frequency attached by ClinVar (database versions not stated): ExAC 0.00004; gnomAD exomes 0.00006.
gnomAD v4.1: 22 of 1,614,206 alleles (0.0014%); highest among the groups gnomAD compares: Admixed American, 0.033%; no homozygotes.

Submissions (2):

Ambry Genetics
Classification: Uncertain significance for Inborn genetic diseases. Last evaluated: 2025-04-09. Review status: criteria provided, single submitter. Criteria: Ambry Variant Classification Scheme 2023. Collection method: clinical testing. Allele origin: germline.

Labcorp Genetics (formerly Invitae), Labcorp
Classification: Uncertain significance. Last evaluated: 2024-08-27. Review status: criteria provided, single submitter. Criteria: Invitae Variant Classification Sherloc (09022015). Collection method: clinical testing. Allele origin: germline.
Comment: This sequence change replaces glutamine, which is neutral and polar, with histidine, which is basic and polar, at codon 374 of the PODXL protein (p.Gln374His). This variant is present in population databases (rs753226377, gnomAD 0.05%), and has an allele count higher than expected for a pathogenic variant. This variant has not been reported in the literature in individuals affected with PODXL-related conditions. ClinVar contains an entry for this variant (Variation ID: 1434763). An algorithm developed to predict the effect of missense changes on protein structure and function outputs the following: PolyPhen-2: "Benign". The histidine amino acid residue is found in multiple mammalian species, which suggests that this missense change does not adversely affect protein function. In summary, the available evidence is currently insufficient to determine the role of this variant in disease. Therefore, it has been classified as a Variant of Uncertain Significance.

NM_001018111.3(PODXL):c.1218G>T (p.Gln406His)

Gene: PODXL (podocalyxin like; minus strand). Cytogenetic location: 7q32.3.
Variant type: single nucleotide variant.
Coding change: c.1218G>T on transcript NM_001018111.3 (MANE Select); coding-DNA position 1218, G replaced by T.
Protein change: p.Gln406His; replaces glutamine 406 with histidine.
Molecular consequence: missense variant.
Genome position (GRCh38, 1-based): chr7:131,506,610, C>A on the plus strand (G>T on the coding strand, the complement: PODXL is on the minus strand). VCF-style: chr7-131506610-C-A. GRCh37 (hg19) VCF-style: chr7-131191369-C-A.
Other names: c.1218G>T (NM_001018111.2); c.1122G>T, p.Gln374His (NM_005397.4); short protein forms Q374H, Q406H.
Identifiers: ClinVar variation 1434763 (VCV001434763.7), dbSNP rs753226377, ClinGen allele CA4488447.